The following is an entry in ClinVar:

ClinVar aggregate classification (germline): Uncertain significance. Review status: criteria provided, multiple submitters, no conflicts (2 of 4 stars). 3 submissions from 3 submitters: Uncertain significance (3). Last evaluated 2021-09-02.

Conditions:
Charcot-Marie-Tooth disease type 4. Also called: Charcot-Marie-Tooth disease, type IV; Charcot-Marie-Tooth, Type 4. Identifiers: Orphanet 64749, MedGen C4082197, MONDO:0018995.
Amyotrophic lateral sclerosis type 11 (ALS11). Identifiers: Orphanet 803, MedGen C2675491, MONDO:0012945, OMIM 612577.

Allele frequency attached by ClinVar (database versions not stated): gnomAD exomes 0.00001 and 0.00002; ExAC 0.00002; TOPMed 0.00002; gnomAD 0.00003.

Submissions (3):

Labcorp Genetics (formerly Invitae), Labcorp
Classification: Uncertain significance for Charcot-Marie-Tooth disease type 4. Last evaluated: 2021-09-02. Review status: criteria provided, single submitter. Criteria: Invitae Variant Classification Sherloc (09022015). Collection method: clinical testing. Allele origin: germline.
Comment: This sequence change replaces aspartic acid with asparagine at codon 307 of the FIG4 protein (p.Asp307Asn). The aspartic acid residue is highly conserved and there is a small physicochemical difference between aspartic acid and asparagine. This variant is present in population databases (rs573441014, ExAC 0.01%). This missense change has been observed in individual(s) with amyotrophic lateral sclerosis (PMID: 28051077). ClinVar contains an entry for this variant (Variation ID: 254669). Algorithms developed to predict the effect of missense changes on protein structure and function are either unavailable or do not agree on the potential impact of this missense change (SIFT: "Deleterious"; PolyPhen-2: "Probably Damaging"; Align-GVGD: "Class C0"). In summary, the available evidence is currently insufficient to determine the role of this variant in disease. Therefore, it has been classified as a Variant of Uncertain Significance.

Blueprint Genetics
Classification: Uncertain significance. Last evaluated: 2021-03-15. Review status: criteria provided, single submitter. Criteria: ACMG Guidelines, 2015. Collection method: clinical testing. Allele origin: germline.

Weber Lab, Hannover Medical School
Classification: Uncertain significance for Amyotrophic lateral sclerosis type 11. Last evaluated: 2016-09-13. Review status: criteria provided, single submitter. Criteria: "ACMG Guidelines, 2015". Collection method: research. Allele origin: germline. Affected: yes.

Literature cited by the submitters: PubMed 28051077 (cited by Labcorp Genetics (formerly Invitae), Labcorp and Weber Lab, Hannover Medical School).

NM_014845.6(FIG4):c.919G>A (p.Asp307Asn)

Gene: FIG4 (FIG4 phosphoinositide 5-phosphatase; plus strand). Cytogenetic location: 6q21.
Variant type: single nucleotide variant.
Coding change: c.919G>A on transcript NM_014845.6 (MANE Select); coding-DNA position 919, G replaced by A.
Protein change: p.Asp307Asn; replaces aspartic acid 307 with asparagine.
Molecular consequence: missense variant.
Genome position (GRCh38, 1-based): chr6:109,743,152, G>A. VCF-style: chr6-109743152-G-A. GRCh37 (hg19) VCF-style: chr6-110064355-G-A.
Other names: short protein forms D307N.
Identifiers: ClinVar variation 254669 (VCV000254669.7), dbSNP rs573441014, ClinGen allele CA3955945.